The following is an entry in ClinVar:

NM_001042517.2(DIAPH3):c.3260-76G>C

Gene: DIAPH3 (diaphanous related formin 3; minus strand). Cytogenetic location: 13q21.2.
Variant type: single nucleotide variant.
Coding change: c.3260-76G>C on transcript NM_001042517.2 (MANE Select); 76 bases into the intron before coding-DNA position 3260, G replaced by C.
Molecular consequence: intron variant.
Genome position (GRCh38, 1-based): chr13:59,774,324, C>G on the plus strand (G>C on the coding strand, the complement: DIAPH3 is on the minus strand). VCF-style: chr13-59774324-C-G. GRCh37 (hg19) VCF-style: chr13-60348458-C-G.
Other names: c.3050-76G>C (NM_001258368.2); c.3122-76G>C (NM_001258367.2); c.3227-76G>C (NM_001258366.2); c.3260-76G>C (NM_001258369.2); c.2471-76G>C (NM_030932.4).
Identifiers: ClinVar variation 683463 (VCV000683463.2), dbSNP rs78933251, ClinGen allele CA250941359.

ClinVar aggregate classification (germline): Likely benign. Review status: criteria provided, multiple submitters, no conflicts (2 of 4 stars). 2 submissions from 2 submitters: Likely benign (2). Last evaluated 2018-06-13.

Allele frequency attached by ClinVar (database versions not stated): gnomAD 0.01668 and 0.01963; TOPMed 0.02021; 1000 Genomes Project 0.04233; 1000 Genomes Project 30x 0.04372.
gnomAD v4.1: 23,030 of 1,251,808 alleles (1.8%); highest among the groups gnomAD compares: East Asian, 11%; 625 homozygotes.

Submissions (2):

GeneDx
Classification: Likely benign. Last evaluated: 2018-06-13. Review status: criteria provided, single submitter. Criteria: GeneDx Variant Classification (06012015). Collection method: clinical testing. Allele origin: germline. Affected: yes.
Comment: This variant is considered likely benign or benign based on one or more of the following criteria: it is a conservative change, it occurs at a poorly conserved position in the protein, it is predicted to be benign by multiple in silico algorithms, and/or has population frequency not consistent with disease.

Breakthrough Genomics
Classification: Likely benign. Review status: criteria provided, single submitter. Criteria: ACMG Guidelines, 2015. Collection method: not provided. Allele origin: germline. Inheritance: Autosomal dominant inheritance. Affected: yes.